The following is an entry in ClinVar:

ClinVar aggregate classification (germline): Uncertain significance (1 of 4 stars; one submission).

Conditions:
Charcot-Marie-Tooth disease type 2. Also called: Charcot-Marie-Tooth type 2. Identifiers: Orphanet 64746, MedGen C0270914, MONDO:0018993.

Allele frequency attached by ClinVar (database versions not stated): gnomAD 0.00001; gnomAD exomes below 0.00001; TOPMed 0.00001.
gnomAD v4.1: 3 of 1,614,054 alleles (0.00019%); highest among the groups gnomAD compares: Non-Finnish European, 0.00025%; no homozygotes.

Submission:

Labcorp Genetics (formerly Invitae), Labcorp
Classification: Uncertain significance for Charcot-Marie-Tooth disease type 2. Last evaluated: 2024-04-03. Review status: criteria provided, single submitter. Criteria: Invitae Variant Classification Sherloc (09022015). Collection method: clinical testing. Allele origin: germline.
Comment: This sequence change replaces glutamine, which is neutral and polar, with proline, which is neutral and non-polar, at codon 674 of the MFN2 protein (p.Gln674Pro). This variant is present in population databases (no rsID available, gnomAD 0.0009%). This variant has not been reported in the literature in individuals affected with MFN2-related conditions. ClinVar contains an entry for this variant (Variation ID: 1041017). Advanced modeling of protein sequence and biophysical properties (such as structural, functional, and spatial information, amino acid conservation, physicochemical variation, residue mobility, and thermodynamic stability) performed at Invitae indicates that this missense variant is expected to disrupt MFN2 protein function with a positive predictive value of 95%. In summary, the available evidence is currently insufficient to determine the role of this variant in disease. Therefore, it has been classified as a Variant of Uncertain Significance.

NM_014874.4(MFN2):c.2021A>C (p.Gln674Pro)

Gene: MFN2 (mitofusin 2; plus strand). Cytogenetic location: 1p36.22.
Variant type: single nucleotide variant.
Coding change: c.2021A>C on transcript NM_014874.4 (MANE Select); coding-DNA position 2021, A replaced by C.
Protein change: p.Gln674Pro; replaces glutamine 674 with proline.
Molecular consequence: missense variant.
Genome position (GRCh38, 1-based): chr1:12,007,201, A>C. VCF-style: chr1-12007201-A-C. GRCh37 (hg19) VCF-style: chr1-12067258-A-C.
Other names: c.2021A>C, p.Gln674Pro (NM_001127660.2); short protein forms Q674P.
Identifiers: ClinVar variation 1041017 (VCV001041017.8), dbSNP rs1410698026, ClinGen allele CA338451599.
Genomic context (GRCh38, chr1:12,007,201, plus strand): 5'-CCAAGGCCAAGGAGAGGGCCTTCAAGCGCCAGTTTGTGGAGCATGCCAGCGAGAAGCTGC[A>C]GCTTGTCATCAGCTACACTGGCTCCAACTGCAGCCACCAAGTCCAGCAGTGAGTGGCCCT-3'
Protein context (NP_055689.1, residues 664-684): QFVEHASEKL[Gln674Pro]LVISYTGSNC